The following is an entry in ClinVar:

ClinVar aggregate classification (germline): Uncertain significance (1 of 4 stars; one submission).

Conditions:
Propionic acidemia (PROP). Also called: GLYCINEMIA, KETOTIC; HYPERGLYCINEMIA WITH KETOACIDOSIS AND LEUKOPENIA; KETOTIC HYPERGLYCINEMIA. Identifiers: Orphanet 35, MedGen C0268579, MONDO:0011628, OMIM 606054, HP:0003571.

Allele frequency attached by ClinVar (database versions not stated): gnomAD exomes below 0.00001; ExAC 0.00001; gnomAD 0.00001; TOPMed 0.00001.
gnomAD v4.1: 8 of 1,612,930 alleles (0.0005%); highest among the groups gnomAD compares: Non-Finnish European, 0.00051%; no homozygotes.

Submission:

Labcorp Genetics (formerly Invitae), Labcorp
Classification: Uncertain significance for Propionic acidemia. Last evaluated: 2021-08-24. Review status: criteria provided, single submitter. Criteria: Invitae Variant Classification Sherloc (09022015). Collection method: clinical testing. Allele origin: germline.
Comment: This sequence change replaces leucine with valine at codon 47 of the PCCB protein (p.Leu47Val). The leucine residue is highly conserved and there is a small physicochemical difference between leucine and valine. This variant is present in population databases (rs199935380, ExAC 0.002%). This variant has not been reported in the literature in individuals affected with PCCB-related conditions. Algorithms developed to predict the effect of missense changes on protein structure and function are either unavailable or do not agree on the potential impact of this missense change (SIFT: "Deleterious"; PolyPhen-2: "Benign"; Align-GVGD: "Class C25"). In summary, the available evidence is currently insufficient to determine the role of this variant in disease. Therefore, it has been classified as a Variant of Uncertain Significance.

NM_000532.5(PCCB):c.139C>G (p.Leu47Val)

Gene: PCCB (propionyl-CoA carboxylase subunit beta; plus strand). Cytogenetic location: 3q22.3.
Variant type: single nucleotide variant.
Coding change: c.139C>G on transcript NM_000532.5 (MANE Select); coding-DNA position 139, C replaced by G.
Protein change: p.Leu47Val; replaces leucine 47 with valine.
Molecular consequence: missense variant.
Genome position (GRCh38, 1-based): chr3:136,250,514, C>G. VCF-style: chr3-136250514-C-G. GRCh37 (hg19) VCF-style: chr3-135969356-C-G.
Other names: c.139C>G, p.Leu47Val (NM_001178014.2); short protein forms L47V.
Identifiers: ClinVar variation 1419946 (VCV001419946.5), dbSNP rs199935380, ClinGen allele CA2631582.